The following is an entry in ClinVar:

ClinVar aggregate classification (germline): Uncertain significance (1 of 4 stars; one submission).

Allele frequency attached by ClinVar (database versions not stated): ExAC 0.00001; gnomAD 0.00001; gnomAD exomes 0.00001; TOPMed 0.00003.
gnomAD v4.1: 16 of 1,614,002 alleles (0.00099%); highest among the groups gnomAD compares: East Asian, 0.0022%; no homozygotes.

Submission:

Labcorp Genetics (formerly Invitae), Labcorp
Classification: Uncertain significance. Last evaluated: 2023-04-18. Review status: criteria provided, single submitter. Criteria: Invitae Variant Classification Sherloc (09022015). Collection method: clinical testing. Allele origin: germline.
Comment: This sequence change replaces proline, which is neutral and non-polar, with leucine, which is neutral and non-polar, at codon 59 of the DIP2C protein (p.Pro59Leu). In summary, the available evidence is currently insufficient to determine the role of this variant in disease. Therefore, it has been classified as a Variant of Uncertain Significance. An algorithm developed to predict the effect of missense changes on protein structure and function (PolyPhen-2) suggests that this variant is likely to be tolerated. This variant has not been reported in the literature in individuals affected with DIP2C-related conditions. This variant is present in population databases (rs770460284, gnomAD 0.007%).

NM_014974.3(DIP2C):c.176C>T (p.Pro59Leu)

Gene: DIP2C (DIP2 acetate--CoA ligase C (putative); minus strand). Cytogenetic location: 10p15.3.
Variant type: single nucleotide variant.
Coding change: c.176C>T on transcript NM_014974.3 (MANE Select); coding-DNA position 176, C replaced by T.
Protein change: p.Pro59Leu; replaces proline 59 with leucine.
Molecular consequence: missense variant.
Genome position (GRCh38, 1-based): chr10:472,531, G>A on the plus strand (C>T on the coding strand, the complement: DIP2C is on the minus strand). VCF-style: chr10-472531-G-A. GRCh37 (hg19) VCF-style: chr10-518471-G-A.
Other names: short protein forms P59L.
Identifiers: ClinVar variation 2916166 (VCV002916166.3), dbSNP rs770460284, ClinGen allele CA5381442.
Genomic context (GRCh38, chr10:472,531, plus strand): 5'-GACCGTCGGCGGTGGTAGCGAGAGGCGGAGGAAGGAGTGACAGGAGCCCGGCGTTCTTGC[G>A]GCAAAGCTTGGTCCACCCCTGGATTTCAATAAAAACAGCAGAGTGAGGTGTGACTGTACT-3'
Protein context (NP_055789.1, residues 49-69): PQPPRVDQAL[Pro59Leu]QERRAPVTPS